The following is an entry in ClinVar:

ClinVar aggregate classification (germline): Likely pathogenic (1 of 4 stars; one submission).

Conditions:
Congenital nonprogressive myopathy with Moebius and Robin sequences. Also called: Carey-Fineman-Ziter syndrome. Identifiers: Orphanet 1358, MedGen C1850746, MONDO:0031415.

Allele frequency attached by ClinVar (database versions not stated): gnomAD 0.00001; TOPMed below 0.00001.
gnomAD v4.1: 1 of 1,613,918 alleles (0.000062%); highest among the groups gnomAD compares: Non-Finnish European, 0.000085%; no homozygotes.

Submission:

Victorian Clinical Genetics Services, Murdoch Childrens Research Institute
Classification: Likely pathogenic for Congenital nonprogressive myopathy with Moebius and Robin sequences. Last evaluated: 2020-10-19. Review status: criteria provided, single submitter. Criteria: ACMG Guidelines, 2015. Collection method: clinical testing. Allele origin: germline. Inheritance: Autosomal recessive inheritance. Affected: yes.
Comment: Based on the classification scheme VCGS_Germline_v1.1.1, this variant is classified as Likely pathogenic. Following criteria are met: 0102 - Loss-of-function is a known mechanism of disease for this gene. (N) 0106 - This gene is known to be associated with autosomal recessive disease. (N) 0200 - Variant is predicted to result in a missense amino acid change from leucine to proline (exon 3). (N) 0251 - Variant is heterozygous. (N) 0304 - Variant is present in gnomAD <0.01 for a recessive condition (1 heterozygote, 0 homozygotes; gnomAD v3). (P) 0501 - Missense variant consistently predicted to be damaging by multiple in silico tools or highly conserved with a major amino acid change. (P) 0604 - Variant is not located in an established domain, motif, hotspot or informative constraint region. (N) 0705 - No comparable variants have previous evidence for pathogenicity. (N) 0807 - Variant has not previously been reported in a clinical context. (N) 0905 - No segregation evidence has been identified for this variant. (N) 1007 - No published functional evidence has been identified for this variant. (N) 1101 - Very strong and specific phenotype match. (P) 1201 - Heterozygous variant detected in trans with a second (at least likely) pathogenic heterozygous variant in a recessive disease. (N) Legend: (P) - Pathogenic, (N) - Neutral, (B) - Benign

NM_001080483.3(MYMK):c.305T>C (p.Leu102Pro)

Gene: MYMK (myomaker, myoblast fusion factor; minus strand). Cytogenetic location: 9q34.2.
Variant type: single nucleotide variant.
Coding change: c.305T>C on transcript NM_001080483.3 (MANE Select); coding-DNA position 305, T replaced by C.
Protein change: p.Leu102Pro; replaces leucine 102 with proline.
Molecular consequence: missense variant.
Genome position (GRCh38, 1-based): chr9:133,518,968, A>G on the plus strand (T>C on the coding strand, the complement: MYMK is on the minus strand). VCF-style: chr9-133518968-A-G. GRCh37 (hg19) VCF-style: chr9-136384090-A-G.
Other names: short protein forms L102P.
Identifiers: ClinVar variation 870390 (VCV000870390.3), dbSNP rs1432065625, ClinGen allele CA375392566.